The following is an entry in ClinVar:

ClinVar aggregate classification (germline): Pathogenic. Review status: reviewed by expert panel (3 of 4 stars). 4 submissions from 4 submitters: Pathogenic (1). 3 of the submissions do not count toward it. Last evaluated 2016-09-08.

Conditions:
Hereditary breast ovarian cancer syndrome. Also called: Hereditary breast and ovarian cancer syndrome; Hereditary breast and ovarian cancer; Hereditary breast and ovarian cancer syndrome (HBOC); Breast and ovarian cancer; Hereditary breast and/or ovarian cancer syndrome; BRCA1- and BRCA2-Associated Hereditary Breast and Ovarian Cancer. Identifiers: Orphanet 145, MedGen C0677776, MeSH D061325, MONDO:0003582. Disease mechanism: loss of function.
Hereditary cancer-predisposing syndrome. Also called: Neoplastic Syndromes, Hereditary; Tumor predisposition; Hereditary neoplastic syndrome; Hereditary Cancer Syndrome. Identifiers: Orphanet 140162, MedGen C0027672, MeSH D009386, MONDO:0015356.
Breast-ovarian cancer, familial, susceptibility to, 2 (BROVCA2). Also called: BRCA2 Hereditary Breast and Ovarian Cancer. Identifiers: Orphanet 145, MedGen C2675520, MONDO:0012933, OMIM 612555. Disease mechanism: loss of function.

Submissions (4):

Evidence-based Network for the Interpretation of Germline Mutant Alleles (ENIGMA)
Classification: Pathogenic for Breast-ovarian cancer, familial, susceptibility to, 2. Last evaluated: 2016-09-08. Review status: reviewed by expert panel. Criteria: ENIGMA BRCA1/2 Classification Criteria (2015). Collection method: curation. Allele origin: germline.
Comment: Variant allele predicted to encode a truncated non-functional protein.

Labcorp Genetics (formerly Invitae), Labcorp
Classification: Pathogenic for Hereditary breast ovarian cancer syndrome. Last evaluated: 2022-07-14. Review status: criteria provided, single submitter. Criteria: Invitae Variant Classification Sherloc (09022015). Collection method: clinical testing. Allele origin: germline. Not counted in ClinVar's aggregate classification.
Comment: This sequence change creates a premature translational stop signal (p.Val2652Cysfs*5) in the BRCA2 gene. It is expected to result in an absent or disrupted protein product. Loss-of-function variants in BRCA2 are known to be pathogenic (PMID: 20104584). This variant is not present in population databases (gnomAD no frequency). This variant has not been reported in the literature in individuals affected with BRCA2-related conditions. ClinVar contains an entry for this variant (Variation ID: 52446). For these reasons, this variant has been classified as Pathogenic.

Ambry Genetics
Classification: Pathogenic for Hereditary cancer-predisposing syndrome. Last evaluated: 2022-06-02. Review status: criteria provided, single submitter. Criteria: Ambry Variant Classification Scheme 2023. Collection method: clinical testing. Allele origin: germline. Not counted in ClinVar's aggregate classification.
Comment: The c.7954delG pathogenic mutation, located in coding exon 16 of the BRCA2 gene, results from a deletion of one nucleotide at nucleotide position 7954, causing a translational frameshift with a predicted alternate stop codon (p.V2652Cfs*5). This variant is considered to be rare based on population cohorts in the Genome Aggregation Database (gnomAD). This alteration is expected to result in loss of function by premature protein truncation or nonsense-mediated mRNA decay. As such, this alteration is interpreted as a disease-causing mutation.

Breast Cancer Information Core (BIC) (BRCA2)
Classification: Pathogenic for Breast-ovarian cancer, familial 2. Last evaluated: 2000-07-07. Review status: no assertion criteria provided. Collection method: clinical testing. Allele origin: germline. Affected: yes. Observed: 1 variant allele. Not counted in ClinVar's aggregate classification.

Literature cited by the submitters: PubMed 20104584 (cited by Labcorp Genetics (formerly Invitae), Labcorp).

NM_000059.4(BRCA2):c.7954del (p.Val2652fs)

Gene: BRCA2 (BRCA2 DNA repair associated; plus strand). Cytogenetic location: 13q13.1.
Variant type: Deletion.
Coding change: c.7954del on transcript NM_000059.4 (MANE Select); coding-DNA position 7954, one base deleted (G; older notation c.7954delG).
Protein change: p.Val2652fs; shifts the reading frame from valine 2652.
Molecular consequence: frameshift variant.
Genome position (GRCh38, 1-based): chr13:32,362,671, G deleted; the last of 3 consecutive G bases (chr13:32,362,669-32,362,671); deleting any one gives the same sequence. VCF-style (leftmost placement, unchanged base first): chr13-32362668-AG-A. GRCh37 (hg19) VCF-style: chr13-32936805-AG-A.
Other names: 8182delG; c.7954delG (NM_000059.3); short protein forms V2652fs.
Identifiers: ClinVar variation 52446 (VCV000052446.9), dbSNP rs80359689, ClinGen allele CA025353.
Genomic context (GRCh38, chr13:32,362,668, plus strand): 5'-CTGGCAGCTATGGAATGTGCCTTTCCTAAGGAATTTGCTAATAGATGCCTAAGCCCAGAA[AG>A]GGTGCTTCTTCAACTAAAATACAGGCAAGTTTAAAGCATTACATTACGTAATCATATACG-3'